The following is an entry in ClinVar:

ClinVar aggregate classification (germline): Uncertain significance (1 of 4 stars; one submission).

Submission:

Ambry Genetics
Classification: Uncertain significance. Last evaluated: 2026-03-04. Review status: criteria provided, single submitter. Criteria: Ambry Variant Classification Scheme 2023. Collection method: clinical testing. Allele origin: germline.
Comment: The p.Q706H variant (also known as c.2118G>T), located in coding exon 1 of the TET2 gene, results from a G to T substitution at nucleotide position 2118. The glutamine at codon 706 is replaced by histidine, an amino acid with highly similar properties. This amino acid position is conserved. In addition, this alteration is predicted to be tolerated by in silico analysis. Based on the available evidence, the clinical significance of this variant remains unclear.

NM_001127208.3(TET2):c.2118G>T (p.Gln706His)

Genes: TET2 (tet methylcytosine dioxygenase 2; plus strand), TET2-AS1 (TET2 antisense RNA 1; minus strand). Cytogenetic location: 4q24.
Variant type: single nucleotide variant.
Coding change: c.2118G>T on transcript NM_001127208.3 (MANE Select); coding-DNA position 2118, G replaced by T.
Protein change: p.Gln706His; replaces glutamine 706 with histidine.
Molecular consequence: missense variant.
Genome position (GRCh38, 1-based): chr4:105,236,060, G>T. VCF-style: chr4-105236060-G-T. GRCh37 (hg19) VCF-style: chr4-106157217-G-T.
Other names: c.2118G>T, p.Gln706His (NM_017628.4); short protein forms Q706H.
Identifiers: ClinVar variation 4827256 (VCV004827256.1).